The following is an entry in ClinVar:

NM_020745.4(AARS2):c.407A>G (p.Asn136Ser)

Gene: AARS2 (alanyl-tRNA synthetase 2, mitochondrial; minus strand). Cytogenetic location: 6p21.1.
Variant type: single nucleotide variant.
Coding change: c.407A>G on transcript NM_020745.4 (MANE Select); coding-DNA position 407, A replaced by G.
Protein change: p.Asn136Ser; replaces asparagine 136 with serine.
Molecular consequence: missense variant.
Genome position (GRCh38, 1-based): chr6:44,312,100, T>C on the plus strand (A>G on the coding strand, the complement: AARS2 is on the minus strand). VCF-style: chr6-44312100-T-C. GRCh37 (hg19) VCF-style: chr6-44279837-T-C.
Other names: p.N136S:AAT>AGT; short protein forms N136S.
Identifiers: ClinVar variation 213962 (VCV000213962.3), dbSNP rs781255698, ClinGen allele CA323861.
Genomic context (GRCh38, chr6:44,312,100, plus strand): 5'-TCTTGGCTGATCACTGATCCCCAGAGACTCACCTTAAAATATTCACCCCCAAAGGCCCAA[T>C]TGCCAAGCATTTCAAAGAAGGTATGATGGGAAAGGTCTCGACCCACATCTTCCAGGTCGT-3'
Protein context (NP_065796.2, residues 126-146): SHHTFFEMLG[Asn136Ser]WAFGGEYFKE

ClinVar aggregate classification (germline): Uncertain significance (1 of 4 stars; one submission).

Allele frequency attached by ClinVar (database versions not stated): ExAC 0.00004; gnomAD exomes 0.00004 and 0.00015; TOPMed 0.00005; gnomAD 0.00006.
gnomAD v4.1: 225 of 1,614,072 alleles (0.014%); highest among the groups gnomAD compares: Non-Finnish European, 0.018%; no homozygotes.

Submission:

GeneDx
Classification: Uncertain significance. Last evaluated: 2023-04-21. Review status: criteria provided, single submitter. Criteria: GeneDx Variant Classification Process June 2021. Collection method: clinical testing. Allele origin: germline. Affected: yes.
Comment: Not observed at significant frequency in large population cohorts (gnomAD); In silico analysis supports that this missense variant has a deleterious effect on protein structure/function; Has not been previously published as pathogenic or benign to our knowledge